The following is an entry in ClinVar:

ClinVar aggregate classification (germline): Uncertain significance (1 of 4 stars; one submission).

Conditions:
Muscular dystrophy-dystroglycanopathy (congenital with impaired intellectual development), type B, 3. Also called: Muscular dystrophy-dystroglycanopathy (congenital with intellectual disability), type B3; MUSCULAR DYSTROPHY, CONGENITAL, POMGNT1-RELATED. Identifiers: MedGen C3150412, MONDO:0013155, OMIM 613151.
Autosomal recessive limb-girdle muscular dystrophy type 2O. Also called: Limb-Girdle Muscular Dystrophy Type 3C; MUSCULAR DYSTROPHY-DYSTROGLYCANOPATHY (LIMB-GIRDLE), TYPE C, 3; MUSCULAR DYSTROPHY-DYSTROGLYCANOPATHY, LIMB-GIRDLE, POMGNT1-RELATED. Identifiers: Orphanet 206564, MedGen C3150417, MONDO:0013161, OMIM 613157.

Allele frequency attached by ClinVar (database versions not stated): TOPMed below 0.00001.

Submission:

Labcorp Genetics (formerly Invitae), Labcorp
Classification: Uncertain significance for Autosomal recessive limb-girdle muscular dystrophy type 2O; Muscular dystrophy-dystroglycanopathy (congenital with impaired intellectual development), type B, 3. Last evaluated: 2025-10-02. Review status: criteria provided, single submitter. Criteria: Invitae Variant Classification Sherloc (09022015). Collection method: clinical testing. Allele origin: germline.
Comment: This sequence change falls in intron 4 of the POMGNT1 gene. It does not directly change the encoded amino acid sequence of the POMGNT1 protein. It affects a nucleotide within the consensus splice site. This variant is not present in population databases (gnomAD no frequency). This variant has not been reported in the literature in individuals affected with POMGNT1-related conditions. ClinVar contains an entry for this variant (Variation ID: 574477). Variants that disrupt the consensus splice site are a relatively common cause of aberrant splicing (PMID: 17576681, 9536098). Algorithms developed to predict the effect of sequence changes on RNA splicing suggest that this variant may disrupt the consensus splice site. In summary, the available evidence is currently insufficient to determine the role of this variant in disease. Therefore, it has been classified as a Variant of Uncertain Significance.

Literature cited by the submitters: PubMed 17576681; PubMed 9536098.

NM_017739.4(POMGNT1):c.354+6T>C

Gene: POMGNT1 (protein O-linked mannose N-acetylglucosaminyltransferase 1 (beta 1,2-); minus strand). Cytogenetic location: 1p34.1.
Variant type: single nucleotide variant.
Coding change: c.354+6T>C on transcript NM_017739.4 (MANE Select); 6 bases into the intron after coding-DNA position 354, T replaced by C.
Molecular consequence: intron variant.
Genome position (GRCh38, 1-based): chr1:46,196,725, A>G on the plus strand (T>C on the coding strand, the complement: POMGNT1 is on the minus strand). VCF-style: chr1-46196725-A-G. GRCh37 (hg19) VCF-style: chr1-46662397-A-G.
Other names: c.354+6T>C (NM_001243766.2, NM_001438686.1, NM_001438688.1 and 3 more transcripts); c.288+6T>C (NM_001290129.3, NM_001438691.1, NM_001438692.1); c.-76+6T>C (NM_001290130.2).
Identifiers: ClinVar variation 574477 (VCV000574477.11), dbSNP rs1208898067, ClinGen allele CA736246603.